The following is an entry in ClinVar:

ClinVar aggregate classification (germline): Pathogenic. Review status: criteria provided, multiple submitters, no conflicts (2 of 4 stars). 2 submissions from 2 submitters: Pathogenic (2). Last evaluated 2024-05-28.

Conditions:
Familial cancer of breast. Also called: hereditary breast carcinoma; Hereditary breast cancer; BREAST CANCER, FAMILIAL. Identifiers: Orphanet 227535, MedGen C0346153, MONDO:0016419, OMIM 114480. Disease mechanism: loss of function.
Hereditary cancer-predisposing syndrome. Also called: Tumor predisposition; Hereditary neoplastic syndrome; Neoplastic Syndromes, Hereditary; Hereditary Cancer Syndrome. Identifiers: Orphanet 140162, MedGen C0027672, MeSH D009386, MONDO:0015356.

Submissions (2):

Ambry Genetics
Classification: Pathogenic for Hereditary cancer-predisposing syndrome. Last evaluated: 2024-05-28. Review status: criteria provided, single submitter. Criteria: Ambry Variant Classification Scheme 2023. Collection method: clinical testing. Allele origin: germline.
Comment: The p.R335* pathogenic mutation (also known as c.1003A>T), located in coding exon 4 of the BARD1 gene, results from an A to T substitution at nucleotide position 1003. This changes the amino acid from an arginine to a stop codon within coding exon 4. This variant is considered to be rare based on population cohorts in the Genome Aggregation Database (gnomAD). This alteration is expected to result in loss of function by premature protein truncation or nonsense-mediated mRNA decay. As such, this alteration is interpreted as a disease-causing mutation.

Labcorp Genetics (formerly Invitae), Labcorp
Classification: Pathogenic for Familial cancer of breast. Last evaluated: 2020-07-24. Review status: criteria provided, single submitter. Criteria: Invitae Variant Classification Sherloc (09022015). Collection method: clinical testing. Allele origin: germline.
Comment: This sequence change creates a premature translational stop signal (p.Arg335*) in the BARD1 gene. It is expected to result in an absent or disrupted protein product. This variant is not present in population databases (ExAC no frequency). This variant has not been reported in the literature in individuals with BARD1-related conditions. ClinVar contains an entry for this variant (Variation ID: 861059). Loss-of-function variants in BARD1 are known to be pathogenic (PMID: 20077502, 21344236). For these reasons, this variant has been classified as Pathogenic.

Literature cited by the submitters: PubMed 20077502 (cited by Labcorp Genetics (formerly Invitae), Labcorp); PubMed 21344236 (cited by Labcorp Genetics (formerly Invitae), Labcorp).

NM_000465.4(BARD1):c.1003A>T (p.Arg335Ter)

Gene: BARD1 (BRCA1 associated RING domain 1; minus strand). Cytogenetic location: 2q35.
Variant type: single nucleotide variant.
Coding change: c.1003A>T on transcript NM_000465.4 (MANE Select); coding-DNA position 1003, A replaced by T.
Protein change: p.Arg335Ter; replaces arginine 335 with a stop codon.
Molecular consequence: nonsense. On other transcripts: non-coding transcript variant (2), intron variant (3).
Genome position (GRCh38, 1-based): chr2:214,780,871, T>A on the plus strand (A>T on the coding strand, the complement: BARD1 is on the minus strand). VCF-style: chr2-214780871-T-A. GRCh37 (hg19) VCF-style: chr2-215645595-T-A.
Other names: c.946A>T, p.Arg316Ter (NM_001282543.2); c.159-28316A>T (NM_001282548.2); c.215+16190A>T (NM_001282545.2); c.364+11426A>T (NM_001282549.2); c.1003A>T (NM_000465.2); short protein forms R316*, R335*.
Identifiers: ClinVar variation 861059 (VCV000861059.9), dbSNP rs1694972567, ClinGen allele CA350454418.